The following is an entry in ClinVar:

ClinVar aggregate classification (germline): Uncertain significance (1 of 4 stars; one submission).

gnomAD v4.1: 1 of 1,613,700 alleles (0.000062%); highest among the groups gnomAD compares: Non-Finnish European, 0.000085%; no homozygotes.

Submission:

GeneDx
Classification: Uncertain significance. Last evaluated: 2025-05-06. Review status: criteria provided, single submitter. Criteria: GeneDx Variant Classification Process June 2021. Collection method: clinical testing. Allele origin: germline. Affected: yes.
Comment: Not observed at significant frequency in large population cohorts (gnomAD); In silico analysis supports that this missense variant has a deleterious effect on protein structure/function; Has not been previously published as pathogenic or benign to our knowledge

NM_031844.3(HNRNPU):c.2125C>T (p.Arg709Cys)

Gene: HNRNPU (heterogeneous nuclear ribonucleoprotein U; minus strand). Cytogenetic location: 1q44.
Variant type: single nucleotide variant.
Coding change: c.2125C>T on transcript NM_031844.3 (MANE Select); coding-DNA position 2125, C replaced by T.
Protein change: p.Arg709Cys; replaces arginine 709 with cysteine.
Molecular consequence: missense variant.
Genome position (GRCh38, 1-based): chr1:244,855,946, G>A on the plus strand (C>T on the coding strand, the complement: HNRNPU is on the minus strand). VCF-style: chr1-244855946-G-A. GRCh37 (hg19) VCF-style: chr1-245019248-G-A.
Other names: c.2068C>T, p.Arg690Cys (NM_004501.3); short protein forms R690C, R709C.
Identifiers: ClinVar variation 4527930 (VCV004527930.1).